The following is an entry in ClinVar:

ClinVar aggregate classification (germline): Uncertain significance (1 of 4 stars; one submission).

Submission:

Ambry Genetics
Classification: Uncertain significance. Last evaluated: 2023-11-17. Review status: criteria provided, single submitter. Criteria: Ambry Variant Classification Scheme 2023. Collection method: clinical testing. Allele origin: germline.
Comment: The p.M474V variant (also known as c.1420A>G), located in coding exon 13 of the BUB1 gene, results from an A to G substitution at nucleotide position 1420. The methionine at codon 474 is replaced by valine, an amino acid with highly similar properties. This amino acid position is conserved. In addition, this alteration is predicted to be tolerated by in silico analysis. Since supporting evidence is limited at this time, the clinical significance of this alteration remains unclear.

NM_004336.5(BUB1):c.1420A>G (p.Met474Val)

Gene: BUB1 (BUB1 mitotic checkpoint serine/threonine kinase; minus strand). Cytogenetic location: 2q13.
Variant type: single nucleotide variant.
Coding change: c.1420A>G on transcript NM_004336.5 (MANE Select); coding-DNA position 1420, A replaced by G.
Protein change: p.Met474Val; replaces methionine 474 with valine.
Molecular consequence: missense variant.
Genome position (GRCh38, 1-based): chr2:110,658,506, T>C on the plus strand (A>G on the coding strand, the complement: BUB1 is on the minus strand). VCF-style: chr2-110658506-T-C. GRCh37 (hg19) VCF-style: chr2-111416083-T-C.
Other names: c.1360A>G, p.Met454Val (NM_001278616.2); c.1420A>G, p.Met474Val (NM_001278617.2); short protein forms M454V, M474V.
Identifiers: ClinVar variation 3224001 (VCV003224001.1), dbSNP rs1689992847, ClinGen allele CA348212454.